The following is an entry in ClinVar:

NM_025243.4(SLC19A3):c.400G>T (p.Glu134Ter)

Gene: SLC19A3 (solute carrier family 19 member 3; minus strand). Cytogenetic location: 2q36.3.
Variant type: single nucleotide variant.
Coding change: c.400G>T on transcript NM_025243.4 (MANE Select); coding-DNA position 400, G replaced by T.
Protein change: p.Glu134Ter; replaces glutamic acid 134 with a stop codon.
Molecular consequence: nonsense.
Genome position (GRCh38, 1-based): chr2:227,699,315, C>A on the plus strand (G>T on the coding strand, the complement: SLC19A3 is on the minus strand). VCF-style: chr2-227699315-C-A. GRCh37 (hg19) VCF-style: chr2-228564031-C-A.
Other names: c.400G>T, p.Glu134Ter (NM_001371411.1, NM_001371412.1); c.388G>T, p.Glu130Ter (NM_001371413.1, NM_001371414.1); short protein forms E130*, E134*.
Identifiers: ClinVar variation 5006243 (VCV005006243.3).

ClinVar aggregate classification (germline): Pathogenic/Likely pathogenic. Review status: criteria provided, multiple submitters, no conflicts (2 of 4 stars). 2 submissions from 2 submitters: Pathogenic (1); Likely pathogenic (1). Last evaluated 2026-04-26.

Conditions:
Biotin-responsive basal ganglia disease (BTBGD). Also called: Thiamine Transporter-2 Deficiency; Thiamine metabolism dysfunction syndrome 2 (biotin- or thiamine-responsive encephalopathy type 2); thiamine-responsive encephalopathy; THIAMINE METABOLISM DYSFUNCTION SYNDROME 2 (BIOTIN- AND THIAMINE-RESPONSIVE TYPE); Thiamine metabolism dysfunction syndrome type 2. Identifiers: Orphanet 199348, Orphanet 65284, MedGen C1843807, MONDO:0011841, OMIM 607483.

Submissions (2):

Myriad Genetics, Inc.
Classification: Pathogenic for Biotin-responsive basal ganglia disease. Last evaluated: 2026-04-26. Review status: criteria provided, single submitter. Criteria: Myriad Autosomal Dominant, Autosomal Recessive and X-Linked Classification Criteria (2023). Collection method: clinical testing. Allele origin: unknown.
Comment: NM_025243.3(SLC19A3):c.400G>T(E134*) is expected to be pathogenic in the context of biotin-thiamine-responsive basal ganglia disease. This variant is predicted to lead to an abnormal or absent protein product due to the creation of a premature termination codon in SLC19A3, a gene where loss-of-function variants are known to be pathogenic. Please note: this variant was assessed in the context of healthy population screening.

Juno Genomics, Hangzhou Juno Genomics, Inc
Classification: Likely pathogenic for Biotin-responsive basal ganglia disease. Review status: criteria provided, single submitter. Criteria: ACMG Guidelines, 2015. Collection method: clinical testing. Allele origin: germline.
Comment: Null variant in a gene where loss of function (LOF) is a known mechanism of disease.;Absent from controls (or at extremely low frequency if recessive) in Genome Aggregation Database.